The following is an entry in ClinVar:

NM_139319.3(SLC17A8):c.*6G>C

Gene: SLC17A8 (solute carrier family 17 member 8; plus strand). Cytogenetic location: 12q23.1.
Variant type: single nucleotide variant.
Coding change: c.*6G>C on transcript NM_139319.3 (MANE Select); 6 bases downstream of the stop codon, G replaced by C.
Molecular consequence: 3 prime UTR variant.
Genome position (GRCh38, 1-based): chr12:100,420,165, G>C. VCF-style: chr12-100420165-G-C. GRCh37 (hg19) VCF-style: chr12-100813943-G-C.
Other names: c.*6G>C (NM_001145288.2, NM_139319.2).
Identifiers: ClinVar variation 1197148 (VCV001197148.4), dbSNP rs776625466, ClinGen allele CA6739092.

ClinVar aggregate classification (germline): Likely benign. Review status: criteria provided, single submitter (1 of 4 stars). 2 submissions from 2 submitters: Likely benign (1). 1 of the submissions does not count toward it. Last evaluated 2020-10-13.

Conditions:
SLC17A8-related disorder. Also called: SLC17A8-related condition.

Allele frequency attached by ClinVar (database versions not stated): gnomAD 0.00003 and 0.00004; TOPMed 0.00006; ExAC 0.00017; gnomAD exomes 0.00021.
gnomAD v4.1: 54 of 1,604,472 alleles (0.0034%); highest among the groups gnomAD compares: Admixed American, 0.09%; no homozygotes.

Submissions (2):

GeneDx
Classification: Likely benign. Last evaluated: 2020-10-13. Review status: criteria provided, single submitter. Criteria: GeneDx Variant Classification Process June 2021. Collection method: clinical testing. Allele origin: germline. Affected: yes.

PreventionGenetics, part of Exact Sciences
Classification: Likely benign for SLC17A8-related condition. Last evaluated: 2020-03-02. Review status: no assertion criteria provided. Collection method: clinical testing. Allele origin: germline. Not counted in ClinVar's aggregate classification.
Comment: This variant is classified as likely benign based on ACMG/AMP sequence variant interpretation guidelines (Richards et al. 2015 PMID: 25741868, with internal and published modifications).